The following is an entry in ClinVar:

ClinVar aggregate classification (germline): Uncertain significance (1 of 4 stars; one submission).

Allele frequency attached by ClinVar (database versions not stated): gnomAD exomes below 0.00001; ExAC 0.00001; gnomAD 0.00001; TOPMed 0.00003.
gnomAD v4.1: 2 of 1,613,784 alleles (0.00012%); highest among the groups gnomAD compares: African/African-American, 0.0013%; no homozygotes.

Submission:

Labcorp Genetics (formerly Invitae), Labcorp
Classification: Uncertain significance. Last evaluated: 2022-06-29. Review status: criteria provided, single submitter. Criteria: Invitae Variant Classification Sherloc (09022015). Collection method: clinical testing. Allele origin: germline.
Comment: This sequence change replaces arginine, which is basic and polar, with methionine, which is neutral and non-polar, at codon 2756 of the PCLO protein (p.Arg2756Met). This variant is present in population databases (rs765743433, gnomAD 0.007%). This variant has not been reported in the literature in individuals affected with PCLO-related conditions. Algorithms developed to predict the effect of missense changes on protein structure and function are either unavailable or do not agree on the potential impact of this missense change (SIFT: "Deleterious"; PolyPhen-2: "Not Available"; Align-GVGD: "Class C0"). In summary, the available evidence is currently insufficient to determine the role of this variant in disease. Therefore, it has been classified as a Variant of Uncertain Significance.

NM_033026.6(PCLO):c.8267G>T (p.Arg2756Met)

Gene: PCLO (piccolo presynaptic cytomatrix protein; minus strand). Cytogenetic location: 7q21.11.
Variant type: single nucleotide variant.
Coding change: c.8267G>T on transcript NM_033026.6 (MANE Select); coding-DNA position 8267, G replaced by T.
Protein change: p.Arg2756Met; replaces arginine 2756 with methionine.
Molecular consequence: missense variant.
Genome position (GRCh38, 1-based): chr7:82,952,686, C>A on the plus strand (G>T on the coding strand, the complement: PCLO is on the minus strand). VCF-style: chr7-82952686-C-A. GRCh37 (hg19) VCF-style: chr7-82582002-C-A.
Other names: c.8267G>T, p.Arg2756Met (NM_014510.3); short protein forms R2756M.
Identifiers: ClinVar variation 1481844 (VCV001481844.5), dbSNP rs765743433, ClinGen allele CA4320153.